The following is an entry in ClinVar:

NM_001232.4(CASQ2):c.550G>A (p.Glu184Lys)

Gene: CASQ2 (calsequestrin 2; minus strand). Cytogenetic location: 1p13.1.
Variant type: single nucleotide variant.
Coding change: c.550G>A on transcript NM_001232.4 (MANE Select); coding-DNA position 550, G replaced by A.
Protein change: p.Glu184Lys; replaces glutamic acid 184 with lysine.
Molecular consequence: missense variant.
Genome position (GRCh38, 1-based): chr1:115,732,957, C>T on the plus strand (G>A on the coding strand, the complement: CASQ2 is on the minus strand). VCF-style: chr1-115732957-C-T. GRCh37 (hg19) VCF-style: chr1-116275578-C-T.
Other names: short protein forms E184K.
Identifiers: ClinVar variation 4613799 (VCV004613799.1).

ClinVar aggregate classification (germline): Uncertain significance (1 of 4 stars; one submission).

Conditions:
Cardiovascular phenotype. Identifiers: MedGen CN230736.

Submission:

Ambry Genetics
Classification: Uncertain significance for Cardiovascular phenotype. Last evaluated: 2025-10-05. Review status: criteria provided, single submitter. Criteria: Ambry Variant Classification Scheme 2023. Collection method: clinical testing. Allele origin: germline.
Comment: The p.E184K variant (also known as c.550G>A), located in coding exon 5 of the CASQ2 gene, results from a G to A substitution at nucleotide position 550. The glutamic acid at codon 184 is replaced by lysine, an amino acid with similar properties. This amino acid position is conserved. In addition, this alteration is predicted to be tolerated by in silico analysis. Based on the available evidence, the clinical significance of this variant remains unclear.